The following is an entry in ClinVar:

NM_001009944.3(PKD1):c.11713-27C>T

Gene: PKD1 (polycystin 1, transient receptor potential channel interacting; minus strand). Cytogenetic location: 16p13.3.
Variant type: single nucleotide variant.
Coding change: c.11713-27C>T on transcript NM_001009944.3 (MANE Select); 27 bases into the intron before coding-DNA position 11713, C replaced by T.
Molecular consequence: intron variant.
Genome position (GRCh38, 1-based): chr16:2,091,201, G>A on the plus strand (C>T on the coding strand, the complement: PKD1 is on the minus strand). VCF-style: chr16-2091201-G-A. GRCh37 (hg19) VCF-style: chr16-2141202-G-A.
Other names: c.11710-27C>T (NM_000296.4).
Identifiers: ClinVar variation 3055211 (VCV003055211.2), dbSNP rs766687827, ClinGen allele CA7829003.
Genomic context (GRCh38, chr16:2,091,201, plus strand): 5'-CGGCGAAGTGCACGGCGAACAGCAGCAGGCACACCTGTGGGGGGCGCGGTCAGGAGGGCG[G>A]GAGGGACGCTGCCGGGGCGGGGCCCTGCGAGGGGGCGGGACGCTGCCGGGGCGGGGCCCT-3'

ClinVar aggregate classification (germline): Likely benign (0 of 4 stars; one submission).

Conditions:
PKD1-related disorder. Also called: PKD1-related condition.

Allele frequency attached by ClinVar (database versions not stated): gnomAD 0.00003; gnomAD exomes 0.00004; TOPMed 0.00007.
gnomAD v4.1: 56 of 1,338,496 alleles (0.0042%); highest among the groups gnomAD compares: Non-Finnish European, 0.0042%; no homozygotes.

Submission:

PreventionGenetics, part of Exact Sciences
Classification: Likely benign for PKD1-related condition. Last evaluated: 2022-01-14. Review status: no assertion criteria provided. Collection method: clinical testing. Allele origin: germline.
Comment: This variant is classified as likely benign based on ACMG/AMP sequence variant interpretation guidelines (Richards et al. 2015 PMID: 25741868, with internal and published modifications).